The following is an entry in ClinVar:

NM_152513.4(MEI1):c.3772G>T (p.Asp1258Tyr)

Gene: MEI1 (meiotic double-stranded break formation protein 1; plus strand). Cytogenetic location: 22q13.2.
Variant type: single nucleotide variant.
Coding change: c.3772G>T on transcript NM_152513.4 (MANE Select); coding-DNA position 3772, G replaced by T.
Protein change: p.Asp1258Tyr; replaces aspartic acid 1258 with tyrosine.
Molecular consequence: missense variant.
Genome position (GRCh38, 1-based): chr22:41,795,840, G>T. VCF-style: chr22-41795840-G-T. GRCh37 (hg19) VCF-style: chr22-42191844-G-T.
Other names: short protein forms D1258Y.
Identifiers: ClinVar variation 2442306 (VCV002442306.4), dbSNP rs75338000, ClinGen allele CA10260974.

ClinVar aggregate classification (germline): Likely pathogenic. Review status: criteria provided, multiple submitters, no conflicts (2 of 4 stars). 3 submissions from 3 submitters: Likely pathogenic (2). 1 of the submissions does not count toward it. Last evaluated 2025-04-30.

Conditions:
MEI1-related disorder. Also called: MEI1-related condition.
Hydatidiform mole, recurrent, 3. Identifiers: MedGen C5193093, MONDO:0032746, OMIM 618431.

Allele frequency attached by ClinVar (database versions not stated): 1000 Genomes Project 30x 0.00297; 1000 Genomes Project 0.00319; gnomAD exomes 0.00024; ExAC 0.00060; ESP Exome Variant Server 0.00105; gnomAD 0.00219; TOPMed 0.00248.
gnomAD v4.1: 697 of 1,613,542 alleles (0.043%); highest among the groups gnomAD compares: African/African-American, 0.82%; no homozygotes.

Submissions (3):

First Genomix Gene Laboratory, Genetic Diagnostics Department
Classification: Likely pathogenic for Hydatidiform mole, recurrent, 3. Last evaluated: 2025-04-30. Review status: criteria provided, single submitter. Criteria: ACMG Guidelines, 2015. Collection method: clinical testing. Allele origin: germline. Inheritance: Autosomal recessive inheritance. Affected: no. Observed: 1 variant allele.

Yatsenko Laboratory, Magee-Womens Research Institute, University of Pittsburgh
Classification: Likely pathogenic for Hydatidiform mole, recurrent, 3. Last evaluated: 2022-12-30. Review status: criteria provided, single submitter. Criteria: ACMG Guidelines, 2015. Collection method: research. Allele origin: unknown. Affected: yes.

PreventionGenetics, part of Exact Sciences
Classification: Benign for MEI1-related condition. Last evaluated: 2019-09-12. Review status: no assertion criteria provided. Collection method: clinical testing. Allele origin: germline. Not counted in ClinVar's aggregate classification.
Comment: This variant is classified as benign based on ACMG/AMP sequence variant interpretation guidelines (Richards et al. 2015 PMID: 25741868, with internal and published modifications).